The following is an entry in ClinVar:

NM_000222.3(KIT):c.1531A>G (p.Asn511Asp)

Gene: KIT (KIT proto-oncogene, receptor tyrosine kinase; plus strand). Cytogenetic location: 4q12.
Variant type: single nucleotide variant.
Coding change: c.1531A>G on transcript NM_000222.3 (MANE Select); coding-DNA position 1531, A replaced by G.
Protein change: p.Asn511Asp; replaces asparagine 511 with aspartic acid.
Molecular consequence: missense variant. On other transcripts: intron variant (4).
Genome position (GRCh38, 1-based): chr4:54,726,041, A>G. VCF-style: chr4-54726041-A-G. GRCh37 (hg19) VCF-style: chr4-55592207-A-G.
Other names: c.1534A>G, p.Asn512Asp (NM_001385284.1, NM_001385290.1); c.1531A>G, p.Asn511Asp (NM_001385285.1); c.1531+3A>G (NM_001385288.1, NM_001385292.1); c.1528+3A>G (NM_001093772.2, NM_001385286.1); short protein forms N511D, N512D.
Identifiers: ClinVar variation 3717663 (VCV003717663.2).
Genomic context (GRCh38, chr4:54,726,041, plus strand): 5'-TGTAAGGCTTACAACGATGTGGGCAAGACTTCTGCCTATTTTAACTTTGCATTTAAAGGT[A>G]ACAACAAAGGTATATTTCTTTTTAATCCAATTTAAGGGGATGTTTAGGCTCTGTCTACCA-3'
Protein context (NP_000213.1, residues 501-521): SAYFNFAFKG[Asn511Asp]NKEQIHPHTL

ClinVar aggregate classification (germline): Uncertain significance (1 of 4 stars; one submission).

Conditions:
Gastrointestinal stromal tumor. Also called: Gastrointestinal stromal tumor, somatic; Gastrointestinal stroma tumor. Identifiers: Orphanet 44890, MedGen C0238198, MeSH D046152, MONDO:0011719, OMIM 606764, HP:0100723.

Submission:

Labcorp Genetics (formerly Invitae), Labcorp
Classification: Uncertain significance for Gastrointestinal stromal tumor. Last evaluated: 2024-09-17. Review status: criteria provided, single submitter. Criteria: Invitae Variant Classification Sherloc (09022015). Collection method: clinical testing. Allele origin: germline.
Comment: This sequence change replaces asparagine, which is neutral and polar, with aspartic acid, which is acidic and polar, at codon 511 of the KIT protein (p.Asn511Asp). This variant is not present in population databases (gnomAD no frequency). This variant has not been reported in the literature in individuals affected with KIT-related conditions. An algorithm developed to predict the effect of missense changes on protein structure and function (PolyPhen-2) suggests that this variant is likely to be disruptive. In summary, the available evidence is currently insufficient to determine the role of this variant in disease. Therefore, it has been classified as a Variant of Uncertain Significance.